The following is an entry in ClinVar:

NM_015338.6(ASXL1):c.3451T>G (p.Ser1151Ala)

Gene: ASXL1 (ASXL transcriptional regulator 1; plus strand). Cytogenetic location: 20q11.21.
Variant type: single nucleotide variant.
Coding change: c.3451T>G on transcript NM_015338.6 (MANE Select); coding-DNA position 3451, T replaced by G.
Protein change: p.Ser1151Ala; replaces serine 1151 with alanine.
Molecular consequence: missense variant.
Genome position (GRCh38, 1-based): chr20:32,436,163, T>G. VCF-style: chr20-32436163-T-G. GRCh37 (hg19) VCF-style: chr20-31023966-T-G.
Other names: c.3268T>G, p.Ser1090Ala (NM_001363734.1); short protein forms S1090A, S1151A.
Identifiers: ClinVar variation 3438510 (VCV003438510.1).

ClinVar aggregate classification (germline): Uncertain significance (1 of 4 stars; one submission).

Conditions:
Inborn genetic diseases. Identifiers: MedGen C0950123, MeSH D030342.

Submission:

Ambry Genetics
Classification: Uncertain significance for Inborn genetic diseases. Last evaluated: 2024-11-22. Review status: criteria provided, single submitter. Criteria: Ambry Variant Classification Scheme 2023. Collection method: clinical testing. Allele origin: germline.
Comment: The p.S1151A variant (also known as c.3451T>G), located in coding exon 13 of the ASXL1 gene, results from a T to G substitution at nucleotide position 3451. The serine at codon 1151 is replaced by alanine, an amino acid with similar properties. This amino acid position is conserved. In addition, this alteration is predicted to be tolerated by in silico analysis. Based on the available evidence, the clinical significance of this variant remains unclear.